The following is an entry in ClinVar:

ClinVar aggregate classification (germline): Conflicting classifications of pathogenicity. Review status: criteria provided, conflicting classifications (1 of 4 stars). 3 submissions from 3 submitters: Likely pathogenic (1); Uncertain significance (1). 1 of the submissions does not count toward it. Last evaluated 2025-07-22.

Conditions:
Congenital hyperammonemia, type I. Also called: Carbamoyl phosphate synthetase 1 deficiency; Hyperammonemia due to carbamoyl phosphate synthetase 1 deficiency; CPS 1 deficiency; Carbamyl phosphate synthetase (CPS) deficiency; Carbamoyl-phosphate synthase I deficiency; Carbamoyl phosphate synthetase I deficiency disease. Identifiers: Orphanet 147, MedGen C4082171, MONDO:0009376, OMIM 237300.
Pulmonary hypertension, neonatal, susceptibility to (PHN). Identifiers: MedGen C3714958, MONDO:0014151, OMIM 615371.

Allele frequency attached by ClinVar (database versions not stated): gnomAD exomes below 0.00001 and 0.00001.
gnomAD v4.1: 19 of 1,603,226 alleles (0.0012%); highest among the groups gnomAD compares: Middle Eastern, 0.017%; no homozygotes.

Submissions (3):

Women's Health and Genetics/Laboratory Corporation of America, LabCorp
Classification: Uncertain significance. Last evaluated: 2025-07-22. Review status: criteria provided, single submitter. Criteria: LabCorp Variant Classification Summary - May 2015. Collection method: clinical testing. Allele origin: germline.
Comment: Variant summary: CPS1 c.4232C>T (p.Pro1411Leu) results in a non-conservative amino acid change located in the methylglyoxal synthase-like domain (IPR011607) of the encoded protein sequence. Algorithms developed to predict the effect of missense changes on protein structure and function are either unavailable or do not agree on the potential impact of this missense change. The variant allele was found at a frequency of 4e-06 in 251198 control chromosomes. c.4232C>T has been observed in two individuals affected with late-onset Carbamoylphosphate Synthetase I Deficiency (Summar_1998, Eeds_2006). These data indicate that the variant may be associated with disease. At least one publication reports experimental evidence evaluating an impact on protein function and found the variant results in approximately 50% of normal activity (Pekkala_2010). The following publications have been ascertained in the context of this evaluation (PMID: 16737834, 20578160, 9686343). ClinVar contains an entry for this variant (Variation ID: 554657). Based on the evidence outlined above, the variant was classified as VUS-possibly pathogenic.

Baylor Genetics
Classification: Likely pathogenic for Pulmonary hypertension, neonatal, susceptibility to. Last evaluated: 2024-02-10. Review status: criteria provided, single submitter. Criteria: ACMG Guidelines, 2015. Collection method: clinical testing. Allele origin: unknown.

Counsyl
Classification: Uncertain significance for Congenital hyperammonemia, type I. Last evaluated: 2017-10-30. Review status: no assertion criteria provided. Collection method: clinical testing. Allele origin: unknown. Not counted in ClinVar's aggregate classification.

Literature cited by the submitters: PubMed 20578160 (cited by Women's Health and Genetics/Laboratory Corporation of America, LabCorp and Counsyl); PubMed 16737834 (cited by Women's Health and Genetics/Laboratory Corporation of America, LabCorp and Counsyl); PubMed 9686343 (cited by Women's Health and Genetics/Laboratory Corporation of America, LabCorp and Counsyl).

NM_001875.5(CPS1):c.4232C>T (p.Pro1411Leu)

Gene: CPS1 (carbamoyl-phosphate synthase 1; plus strand). Cytogenetic location: 2q34.
Variant type: single nucleotide variant.
Coding change: c.4232C>T on transcript NM_001875.5 (MANE Select); coding-DNA position 4232, C replaced by T.
Protein change: p.Pro1411Leu; replaces proline 1411 with leucine.
Molecular consequence: missense variant. On other transcripts: non-coding transcript variant (2).
Genome position (GRCh38, 1-based): chr2:210,675,798, C>T. VCF-style: chr2-210675798-C-T. GRCh37 (hg19) VCF-style: chr2-211540522-C-T.
Other names: c.4232C>T (LRG_336t1); c.4232C>T, p.Pro1411Leu (NM_001122633.3, NM_001369257.1); c.4265C>T, p.Pro1422Leu (NM_001369256.1); short protein forms P1411L, P1422L.
Identifiers: ClinVar variation 554657 (VCV000554657.6), dbSNP rs1202306773, ClinGen allele CA350440771.